The following is an entry in ClinVar:

NM_130384.3(ATRIP):c.2043G>C (p.Gln681His)

Genes: ATRIP (ATR interacting protein; plus strand), ATRIP-TREX1 (ATRIP-TREX1 readthrough; plus strand). Cytogenetic location: 3p21.31.
Variant type: single nucleotide variant.
Coding change: c.2043G>C on transcript NM_130384.3 (MANE Select); coding-DNA position 2043, G replaced by C.
Protein change: p.Gln681His; replaces glutamine 681 with histidine.
Molecular consequence: missense variant. On other transcripts: non-coding transcript variant (1), intron variant (1).
Genome position (GRCh38, 1-based): chr3:48,464,650, G>C. VCF-style: chr3-48464650-G-C. GRCh37 (hg19) VCF-style: chr3-48506049-G-C.
Other names: c.2043G>C (NM_130384.1); c.1662G>C, p.Gln554His (NM_001271022.2); c.1764G>C, p.Gln588His (NM_001271023.2); c.1975-181G>C (NM_032166.4); short protein forms Q681H, Q588H, Q554H.
Identifiers: ClinVar variation 2084884 (VCV002084884.7), dbSNP rs113448339, ClinGen allele CA2376360.

ClinVar aggregate classification (germline): Uncertain significance. Review status: criteria provided, multiple submitters, no conflicts (2 of 4 stars). 2 submissions from 2 submitters: Uncertain significance (2). Last evaluated 2025-08-02.

Allele frequency attached by ClinVar (database versions not stated): ExAC 0.00012; 1000 Genomes Project 30x 0.00031; ESP Exome Variant Server 0.00031; 1000 Genomes Project 0.00040; gnomAD 0.00041.
gnomAD v4.1: 196 of 1,614,226 alleles (0.012%); highest among the groups gnomAD compares: African/African-American, 0.2%; no homozygotes.

Submissions (2):

Ambry Genetics
Classification: Uncertain significance. Last evaluated: 2025-08-02. Review status: criteria provided, single submitter. Criteria: Ambry Variant Classification Scheme 2023. Collection method: clinical testing. Allele origin: germline.

Labcorp Genetics (formerly Invitae), Labcorp
Classification: Uncertain significance. Last evaluated: 2024-11-18. Review status: criteria provided, single submitter. Criteria: Invitae Variant Classification Sherloc (09022015). Collection method: clinical testing. Allele origin: germline.
Comment: This sequence change replaces glutamine, which is neutral and polar, with histidine, which is basic and polar, at codon 681 of the ATRIP protein (p.Gln681His). This variant is present in population databases (rs113448339, gnomAD 0.1%), and has an allele count higher than expected for a pathogenic variant. This variant has not been reported in the literature in individuals affected with ATRIP-related conditions. ClinVar contains an entry for this variant (Variation ID: 2084884). An algorithm developed to predict the effect of missense changes on protein structure and function outputs the following: PolyPhen-2: "Benign". The histidine amino acid residue is found in multiple mammalian species, which suggests that this missense change does not adversely affect protein function. In summary, the available evidence is currently insufficient to determine the role of this variant in disease. Therefore, it has been classified as a Variant of Uncertain Significance.